The following is an entry in ClinVar:

ClinVar aggregate classification (germline): Likely benign. Review status: reviewed by expert panel (3 of 4 stars). 2 submissions from 2 submitters: Likely benign (1). 1 of the submissions does not count toward it. Last evaluated 2017-06-29.

Conditions:
Hereditary cancer-predisposing syndrome. Also called: Hereditary neoplastic syndrome; Hereditary Cancer Syndrome; Neoplastic Syndromes, Hereditary; Tumor predisposition. Identifiers: Orphanet 140162, MedGen C0027672, MeSH D009386, MONDO:0015356.
Breast-ovarian cancer, familial, susceptibility to, 2 (BROVCA2). Also called: BRCA2 Hereditary Breast and Ovarian Cancer. Identifiers: Orphanet 145, MedGen C2675520, MONDO:0012933, OMIM 612555. Disease mechanism: loss of function.

Allele frequency attached by ClinVar (database versions not stated): gnomAD exomes below 0.00001; ExAC 0.00001.
gnomAD v4.1: 1 of 1,614,150 alleles (0.000062%); highest among the groups gnomAD compares: South Asian, 0.0011%; no homozygotes.

Submissions (2):

Evidence-based Network for the Interpretation of Germline Mutant Alleles (ENIGMA)
Classification: Likely benign for Breast-ovarian cancer, familial, susceptibility to, 2. Last evaluated: 2017-06-29. Review status: reviewed by expert panel. Criteria: ENIGMA BRCA1/2 Classification Criteria (2017-06-29). Collection method: curation. Allele origin: germline.
Comment: Synonymous substitution variant, with low bioinformatic likelihood to result in a splicing aberration (Splicing prior probability 0.02).

Ambry Genetics
Classification: Likely benign for Hereditary cancer-predisposing syndrome. Last evaluated: 2025-06-24. Review status: criteria provided, single submitter. Criteria: Ambry Variant Classification Scheme 2023. Collection method: clinical testing. Allele origin: germline. Not counted in ClinVar's aggregate classification.

NM_000059.4(BRCA2):c.9180T>C (p.Phe3060=)

Gene: BRCA2 (BRCA2 DNA repair associated; plus strand). Cytogenetic location: 13q13.1.
Variant type: single nucleotide variant.
Coding change: c.9180T>C on transcript NM_000059.4 (MANE Select); coding-DNA position 9180, T replaced by C.
Protein change: p.Phe3060=; no amino-acid change (phenylalanine 3060 retained).
Molecular consequence: synonymous variant.
Genome position (GRCh38, 1-based): chr13:32,380,069, T>C. VCF-style: chr13-32380069-T-C. GRCh37 (hg19) VCF-style: chr13-32954206-T-C.
Identifiers: ClinVar variation 427429 (VCV000427429.4), dbSNP rs777390929, ClinGen allele CA6941352.